The following is an entry in ClinVar:

NM_005591.4(MRE11):c.523A>G (p.Lys175Glu)

Gene: MRE11 (MRE11 double strand break repair nuclease; minus strand). Cytogenetic location: 11q21.
Variant type: single nucleotide variant.
Coding change: c.523A>G on transcript NM_005591.4 (MANE Select); coding-DNA position 523, A replaced by G.
Protein change: p.Lys175Glu; replaces lysine 175 with glutamic acid.
Molecular consequence: missense variant.
Genome position (GRCh38, 1-based): chr11:94,478,756, T>C on the plus strand (A>G on the coding strand, the complement: MRE11 is on the minus strand). VCF-style: chr11-94478756-T-C. GRCh37 (hg19) VCF-style: chr11-94211922-T-C.
Other names: c.523A>G, p.Lys175Glu (NM_001330347.2, NM_005590.4); short protein forms K175E.
Identifiers: ClinVar variation 1800184 (VCV001800184.3), dbSNP rs1370004377, ClinGen allele CA382377296.

ClinVar aggregate classification (germline): Uncertain significance (1 of 4 stars; one submission).

Conditions:
Hereditary cancer-predisposing syndrome. Also called: Neoplastic Syndromes, Hereditary; Tumor predisposition; Hereditary Cancer Syndrome; Hereditary neoplastic syndrome. Identifiers: Orphanet 140162, MedGen C0027672, MeSH D009386, MONDO:0015356.

Allele frequency attached by ClinVar (database versions not stated): TOPMed below 0.00001; gnomAD 0.00001; gnomAD exomes 0.00001.
gnomAD v4.1: 6 of 1,612,854 alleles (0.00037%); highest among the groups gnomAD compares: Non-Finnish European, 0.00051%; no homozygotes.

Submission:

Ambry Genetics
Classification: Uncertain significance for Hereditary cancer-predisposing syndrome. Last evaluated: 2023-06-21. Review status: criteria provided, single submitter. Criteria: Ambry Variant Classification Scheme 2023. Collection method: clinical testing. Allele origin: germline.
Comment: The p.K175E variant (also known as c.523A>G), located in coding exon 5 of the MRE11A gene, results from an A to G substitution at nucleotide position 523. The lysine at codon 175 is replaced by glutamic acid, an amino acid with similar properties. This amino acid position is highly conserved in available vertebrate species. In addition, this alteration is predicted to be deleterious by in silico analysis. Since supporting evidence is limited at this time, the clinical significance of this alteration remains unclear.